The following is an entry in ClinVar:

NM_005585.5(SMAD6):c.84del (p.Gly29fs)

Gene: SMAD6 (SMAD family member 6; plus strand). Cytogenetic location: 15q22.31.
Variant type: Deletion.
Coding change: c.84del on transcript NM_005585.5 (MANE Select); coding-DNA position 84, one base deleted (C; older notation c.84delC).
Protein change: p.Gly29fs; shifts the reading frame from glycine 29.
Molecular consequence: frameshift variant. On other transcripts: non-coding transcript variant (1).
Genome position (GRCh38, 1-based): chr15:66,703,342, C deleted. VCF-style (leftmost placement, unchanged base first): chr15-66703341-GC-G. GRCh37 (hg19) VCF-style: chr15-66995679-GC-G.
Other names: short protein forms G29fs.
Identifiers: ClinVar variation 4993688 (VCV004993688.1).

ClinVar aggregate classification (germline): Uncertain significance (1 of 4 stars; one submission).

Conditions:
SMAD6-related disease. Also called: SMAD6-related condition; SMAD6-related disorder. Identifiers: MedGen CN381596, MONDO:0700324.

Submission:

PreventionGenetics, part of Exact Sciences
Classification: Uncertain significance for SMAD6-related condition. Last evaluated: 2026-04-19. Review status: criteria provided, single submitter. Criteria: ACMG Guidelines, 2015. Collection method: clinical testing. Allele origin: germline.
Comment: The SMAD6 c.84delC variant is predicted to result in a frameshift and premature protein termination (p.Gly29Alafs*35). To our knowledge, this variant has not been reported in the literature or in a large population database (gnomAD), indicating this variant is rare. Similar variant c.86del leading to the same protein effect p.Gly29Alafs*35 was reported in an individual with with congenital heart disease (Table 2, Alankarage et al. 2019. PubMed ID: 30293987). Loss-of-function variants have been reported in the literature in individuals with SMAD6-related disease as well as in the general population. Although we suspect that this variant may be pathogenic, at this time, the clinical significance of this variant is uncertain due to the absence of conclusive functional and genetic evidence.